The following is an entry in ClinVar:

ClinVar aggregate classification (germline): Uncertain significance (1 of 4 stars; one submission).

Submission:

Labcorp Genetics (formerly Invitae), Labcorp
Classification: Uncertain significance. Last evaluated: 2025-09-23. Review status: criteria provided, single submitter. Criteria: Invitae Variant Classification Sherloc (09022015). Collection method: clinical testing. Allele origin: germline.
Comment: This sequence change replaces arginine, which is basic and polar, with histidine, which is basic and polar, at codon 874 of the KIF20A protein (p.Arg874His). This variant is present in population databases (rs369743232, gnomAD 0.004%). This variant has not been reported in the literature in individuals affected with KIF20A-related conditions. ClinVar contains an entry for this variant (Variation ID: 3613242). An algorithm developed to predict the effect of missense changes on protein structure and function (PolyPhen-2) suggests that this variant is likely to be disruptive. In summary, the available evidence is currently insufficient to determine the role of this variant in disease. Therefore, it has been classified as a Variant of Uncertain Significance.

NM_005733.3(KIF20A):c.2621G>A (p.Arg874His)

Gene: KIF20A (kinesin family member 20A; plus strand). Cytogenetic location: 5q31.2.
Variant type: single nucleotide variant.
Coding change: c.2621G>A on transcript NM_005733.3 (MANE Select); coding-DNA position 2621, G replaced by A.
Protein change: p.Arg874His; replaces arginine 874 with histidine.
Molecular consequence: missense variant.
Genome position (GRCh38, 1-based): chr5:138,187,361, G>A. VCF-style: chr5-138187361-G-A. GRCh37 (hg19) VCF-style: chr5-137523050-G-A.
Other names: short protein forms R874H.
Identifiers: ClinVar variation 3613242 (VCV003613242.2).